The following is an entry in ClinVar:

NM_000059.4(BRCA2):c.3562A>G (p.Ile1188Val)

Gene: BRCA2 (BRCA2 DNA repair associated; plus strand). Cytogenetic location: 13q13.1.
Variant type: single nucleotide variant.
Coding change: c.3562A>G on transcript NM_000059.4 (MANE Select); coding-DNA position 3562, A replaced by G.
Protein change: p.Ile1188Val; replaces isoleucine 1188 with valine.
Molecular consequence: missense variant.
Genome position (GRCh38, 1-based): chr13:32,337,917, A>G. VCF-style: chr13-32337917-A-G. GRCh37 (hg19) VCF-style: chr13-32912054-A-G.
Other names: p.I1188V:ATT>GTT; short protein forms I1188V.
Identifiers: ClinVar variation 41547 (VCV000041547.29), dbSNP rs202230438, ClinGen allele CA018345.

ClinVar aggregate classification (germline): Conflicting classifications of pathogenicity. Review status: criteria provided, conflicting classifications (1 of 4 stars). 10 submissions from 10 submitters: Uncertain significance (6); Likely benign (3). 1 of the submissions does not count toward it. Last evaluated 2025-12-24.

Conditions:
Hereditary cancer-predisposing syndrome. Also called: Tumor predisposition; Neoplastic Syndromes, Hereditary; Hereditary neoplastic syndrome; Hereditary Cancer Syndrome. Identifiers: Orphanet 140162, MedGen C0027672, MeSH D009386, MONDO:0015356.
Hereditary breast ovarian cancer syndrome. Also called: Hereditary breast and ovarian cancer; Hereditary breast and ovarian cancer syndrome (HBOC); Hereditary breast and ovarian cancer syndrome; Breast and ovarian cancer; Hereditary breast and/or ovarian cancer syndrome; BRCA1- and BRCA2-Associated Hereditary Breast and Ovarian Cancer. Identifiers: Orphanet 145, MedGen C0677776, MeSH D061325, MONDO:0003582. Disease mechanism: loss of function.
Breast-ovarian cancer, familial, susceptibility to, 2 (BROVCA2). Also called: BRCA2 Hereditary Breast and Ovarian Cancer. Identifiers: Orphanet 145, MedGen C2675520, MONDO:0012933, OMIM 612555. Disease mechanism: loss of function.

Allele frequency attached by ClinVar (database versions not stated): gnomAD exomes below 0.00001 and 0.00001; ExAC 0.00001; gnomAD 0.00001; TOPMed 0.00001.
gnomAD v4.1: 9 of 1,614,014 alleles (0.00056%); highest among the groups gnomAD compares: Middle Eastern, 0.016%; no homozygotes.

Submissions (10):

Labcorp Genetics (formerly Invitae), Labcorp
Classification: Uncertain significance for Hereditary breast ovarian cancer syndrome. Last evaluated: 2025-12-24. Review status: criteria provided, single submitter. Criteria: Invitae Variant Classification Sherloc (09022015). Collection method: clinical testing. Allele origin: germline.
Comment: This sequence change replaces isoleucine, which is neutral and non-polar, with valine, which is neutral and non-polar, at codon 1188 of the BRCA2 protein (p.Ile1188Val). This variant is present in population databases (rs202230438, gnomAD 0.002%). This missense change has been observed in individual(s) with breast cancer (PMID: 29785153, 31159747). ClinVar contains an entry for this variant (Variation ID: 41547). Invitae Evidence Modeling of protein sequence and biophysical properties (such as structural, functional, and spatial information, amino acid conservation, physicochemical variation, residue mobility, and thermodynamic stability) indicates that this missense variant is not expected to disrupt BRCA2 protein function with a negative predictive value of 95%. In summary, the available evidence is currently insufficient to determine the role of this variant in disease. Therefore, it has been classified as a Variant of Uncertain Significance.

Color Diagnostics, LLC DBA Color Health
Classification: Uncertain significance for Hereditary cancer-predisposing syndrome. Last evaluated: 2025-09-17. Review status: criteria provided, single submitter. Criteria: ACMG Guidelines, 2015. Collection method: clinical testing. Allele origin: germline.
Comment: This missense variant replaces isoleucine with valine at codon 1188 of the BRCA2 protein. Computational prediction suggests that this variant may not impact protein structure and function. To our knowledge, functional studies have not been reported for this variant. This variant has been detected in two individuals affected with breast cancer (PMID: 29785153) and an individual over age 70 who has never had cancer (FLOSSIES database). A multifactorial analysis has reached a combined likelihood ratio (LR) of 1.876 based on reported LR for co-occurrence with a pathogenic variant and/or segregation and personal and family history for 2 carriers (PMID: 31853058). This variant has been identified in 2/282454 chromosomes in the general population by the Genome Aggregation Database (gnomAD). The available evidence is insufficient to determine the role of this variant in disease conclusively. Therefore, this variant is classified as a Variant of Uncertain Significance.

Blueprint Genetics
Classification: Likely benign. Last evaluated: 2024-04-08. Review status: criteria provided, single submitter. Criteria: ACMG Guidelines, 2015. Collection method: clinical testing. Allele origin: germline.

Women's Health and Genetics/Laboratory Corporation of America, LabCorp
Classification: Uncertain significance. Last evaluated: 2023-11-17. Review status: criteria provided, single submitter. Criteria: LabCorp Variant Classification Summary - May 2015. Collection method: clinical testing. Allele origin: germline.
Comment: Variant summary: BRCA2 c.3562A>G (p.Ile1188Val) results in a conservative amino acid change in the encoded protein sequence. Five of five in-silico tools predict a benign effect of the variant on protein function. The variant allele was found at a frequency of 4e-06 in 251048 control chromosomes (gnomAD). The available data on variant occurrences in the general population are insufficient to allow any conclusion about variant significance. c.3562A>G has been reported in the literature in individuals with personal or family history of breast and/or ovarian cancer (e.g. Krolewska_2004, Goidescu_2018, Tsaousis_2019). These reports do not provide unequivocal conclusions about association of the variant with Hereditary Breast And Ovarian Cancer Syndrome. To our knowledge, no experimental evidence demonstrating an impact on protein function has been reported. The following publications have been ascertained in the context of this evaluation (PMID: 22703879, 20233483, 29785153, 31159747). Six submitters have cited clinical-significance assessments for this variant to ClinVar after 2014, and classified it as uncertain significance (n=4) or likely benign (n=2). Based on the evidence outlined above, the variant was classified as uncertain significance.

All of Us Research Program, National Institutes of Health
Classification: Uncertain significance for Breast-ovarian cancer, familial, susceptibility to, 2. Last evaluated: 2023-08-28. Review status: criteria provided, single submitter. Criteria: ACMG Guidelines, 2015. Collection method: clinical testing. Allele origin: germline. Inheritance: Autosomal dominant inheritance. Observed: 6 variant alleles, 6 heterozygotes.
Comment: This missense variant replaces isoleucine with valine at codon 1188 of the BRCA2 protein. Computational prediction suggests that this variant may not impact protein structure and function (internally defined REVEL score threshold <= 0.5, PMID: 27666373). To our knowledge, functional studies have not been reported for this variant. This variant has been reported in two individuals affected with breast cancer (PMID: 29785153). This variant has been identified in 2/282454 chromosomes in the general population by the Genome Aggregation Database (gnomAD). The available evidence is insufficient to determine the role of this variant in disease conclusively. Therefore, this variant is classified as a Variant of Uncertain Significance.

This study involves interpretation of variants in research participants for the purpose of population health screening. Participant phenotype was not available at the time of variant classification. Additional details can be found in publication PMID: 35346344, PMCID: PMC8962531

University of Washington Department of Laboratory Medicine, University of Washington
Classification: Likely benign for Hereditary cancer-predisposing syndrome. Last evaluated: 2023-03-23. Review status: criteria provided, single submitter. Criteria: Dines et al. (Genet Med. 2020). Collection method: curation. Allele origin: germline.
Comment: Missense variant in a coldspot region where missense variants are very unlikely to be pathogenic (PMID:31911673).

BRCA2 exon 11 coldspot. Reclassification based on statistical prior probability.

Ambry Genetics
Classification: Likely benign for Hereditary cancer-predisposing syndrome. Last evaluated: 2018-12-05. Review status: criteria provided, single submitter. Criteria: Ambry Variant Classification Scheme 2023. Collection method: clinical testing. Allele origin: germline.

GeneKor MSA
Classification: Uncertain significance for Hereditary cancer-predisposing syndrome. Last evaluated: 2018-08-01. Review status: criteria provided, single submitter. Criteria: ACMG Guidelines, 2015. Collection method: clinical testing. Allele origin: germline. Affected: yes.

GeneDx
Classification: Uncertain significance. Last evaluated: 2018-06-14. Review status: criteria provided, single submitter. Criteria: GeneDx Variant Classification (06012015). Collection method: clinical testing. Allele origin: germline. Affected: yes.
Comment: This variant is denoted BRCA2 c.3562A>G at the cDNA level, p.Ile1188Val (I1188V) at the protein level, and results in the change of an Isoleucine to a Valine (ATT>GTT). Using alternate nomenclature, this variant would be defined as 3790A>G. This variant has been observed in at least three individuals with breast cancer, as well as in 1/572 individuals with atherosclerosis, with no specific information about cancer history (Kr?lewska 2004, Johnston 2012, Goidescu 2018). BRCA2 Ile1188Val was not observed at a significant allele frequency in large population cohorts (Lek 2016). BRCA2 Ile1188Val is located in the RAD51 binding domain (Roy 2012). In silico analysis, which includes protein predictors and evolutionary conservation, supports that this variant does not alter protein structure/function. Based on currently available evidence, it is unclear whether BRCA2 Ile1188Val is a pathogenic or benign variant. We consider it to be a variant of uncertain significance.

Biesecker Lab/Clinical Genomics Section, National Institutes of Health
Classification: Uncertain significance. Last evaluated: 2012-07-13. Review status: no assertion criteria provided. Collection method: research. Allele origin: germline. Affected: no. Observed: 1 variant allele. Study: ClinSeq. Not counted in ClinVar's aggregate classification.
ClinVar note: Converted during submission from variant of unknown significance to Uncertain significance.

Literature cited by the submitters: PubMed 29785153 (cited by 4 submitters); PubMed 31159747 (cited by Labcorp Genetics (formerly Invitae), Labcorp and Women's Health and Genetics/Laboratory Corporation of America, LabCorp); PubMed 31853058 (cited by Color Diagnostics, LLC DBA Color Health); PubMed 20233483 (cited by Women's Health and Genetics/Laboratory Corporation of America, LabCorp).